The following is an entry in ClinVar:

ClinVar aggregate classification (germline): Uncertain significance. Review status: criteria provided, multiple submitters, no conflicts (2 of 4 stars). 2 submissions from 2 submitters: Uncertain significance (2). Last evaluated 2024-03-27.

Conditions:
Supravalvar aortic stenosis (SVAS). Also called: Supravalvar aortic stenosis, Eisenberg type. Identifiers: Orphanet 3193, MedGen C0003499, MONDO:0008504, OMIM 185500, HP:0004381.

Allele frequency attached by ClinVar (database versions not stated): gnomAD 0.00001 and 0.00002; TOPMed 0.00001; gnomAD exomes 0.00006; ExAC 0.00011.
gnomAD v4.1: 55 of 1,550,974 alleles (0.0035%); highest among the groups gnomAD compares: East Asian, 0.085%; 1 homozygote.

Submissions (2):

Labcorp Genetics (formerly Invitae), Labcorp
Classification: Uncertain significance for Supravalvar aortic stenosis. Last evaluated: 2024-03-27. Review status: criteria provided, single submitter. Criteria: Invitae Variant Classification Sherloc (09022015). Collection method: clinical testing. Allele origin: germline.
Comment: This sequence change replaces alanine, which is neutral and non-polar, with threonine, which is neutral and polar, at codon 688 of the ELN protein (p.Ala688Thr). This variant is present in population databases (rs781861907, gnomAD 0.07%), and has an allele count higher than expected for a pathogenic variant. This variant has not been reported in the literature in individuals affected with ELN-related conditions. ClinVar contains an entry for this variant (Variation ID: 1304915). Advanced modeling of protein sequence and biophysical properties (such as structural, functional, and spatial information, amino acid conservation, physicochemical variation, residue mobility, and thermodynamic stability) performed at Invitae indicates that this missense variant is not expected to disrupt ELN protein function with a negative predictive value of 80%. In summary, the available evidence is currently insufficient to determine the role of this variant in disease. Therefore, it has been classified as a Variant of Uncertain Significance.

GeneDx
Classification: Uncertain significance. Last evaluated: 2022-02-04. Review status: criteria provided, single submitter. Criteria: GeneDx Variant Classification Process June 2021. Collection method: clinical testing. Allele origin: germline. Affected: yes.
Comment: Has not been previously published as pathogenic or benign to our knowledge; In silico analysis supports that this missense variant does not alter protein structure/function

NM_000501.4(ELN):c.1876G>A (p.Ala626Thr)

Gene: ELN (elastin; plus strand). Cytogenetic location: 7q11.23.
Variant type: single nucleotide variant.
Coding change: c.1876G>A on transcript NM_000501.4 (MANE Select); coding-DNA position 1876, G replaced by A.
Protein change: p.Ala626Thr; replaces alanine 626 with threonine.
Molecular consequence: missense variant.
Genome position (GRCh38, 1-based): chr7:74,063,327, G>A. VCF-style: chr7-74063327-G-A. GRCh37 (hg19) VCF-style: chr7-73477657-G-A.
Other names: c.1789G>A, p.Ala597Thr (NM_001081752.3); c.1834G>A, p.Ala612Thr (NM_001081753.3); c.1891G>A, p.Ala631Thr (NM_001081754.3); c.1819G>A, p.Ala607Thr (NM_001081755.3); c.1876G>A, p.Ala626Thr (NM_001278912.2); c.1633G>A, p.Ala545Thr (NM_001278913.2); c.1804G>A, p.Ala602Thr (NM_001278914.2); c.1894G>A, p.Ala632Thr (NM_001278915.2); and 4 more; short protein forms A537T, A545T, A578T, A597T, A602T, A607T, A612T, A616T.
Identifiers: ClinVar variation 1304915 (VCV001304915.7), dbSNP rs781861907, ClinGen allele CA4293275.